The following is an entry in ClinVar:

NM_001903.5(CTNNA1):c.1981_1982delinsTT (p.Asp661Phe)

Gene: CTNNA1 (catenin alpha 1; plus strand). Cytogenetic location: 5q31.2.
Variant type: Indel.
Coding change: c.1981_1982delinsTT on transcript NM_001903.5 (MANE Select); coding-DNA positions 1981 to 1982, GA replaced by TT.
Protein change: p.Asp661Phe; replaces aspartic acid 661 with phenylalanine.
Molecular consequence: missense variant.
Genome position (GRCh38, 1-based): chr5:138,929,327-138,929,328, GA replaced by TT. VCF-style: chr5-138929327-GA-TT. GRCh37 (hg19) VCF-style: chr5-138265016-GA-TT.
Other names: c.1981_1982delinsTT, p.Asp661Phe (NM_001290307.3, NM_001323982.2, NM_001323983.1 and 2 more transcripts); c.1672_1673delinsTT, p.Asp558Phe (NM_001290309.3); c.1612_1613delinsTT, p.Asp538Phe (NM_001290310.3); c.871_872delinsTT, p.Asp291Phe (NM_001290312.1, NM_001323987.1, NM_001323988.1 and 17 more transcripts); c.1888_1889delinsTT, p.Asp630Phe (NM_001323986.2); c.532_533delinsTT, p.Asp178Phe (NM_001324006.1, NM_001324007.1, NM_001324008.1 and 2 more transcripts); c.778_779delinsTT, p.Asp260Phe (NM_001324011.1); c.628_629delinsTT, p.Asp210Phe (NM_001324012.1, NM_001324013.1); short protein forms D210F, D558F, D661F, D178F, D260F, D630F, D291F, D538F.
Identifiers: ClinVar variation 2800130 (VCV002800130.3), dbSNP rs2533821707, ClinGen allele CA2739275089.

ClinVar aggregate classification (germline): Uncertain significance (1 of 4 stars; one submission).

Submission:

Labcorp Genetics (formerly Invitae), Labcorp
Classification: Uncertain significance. Last evaluated: 2023-05-23. Review status: criteria provided, single submitter. Criteria: Invitae Variant Classification Sherloc (09022015). Collection method: clinical testing. Allele origin: germline.
Comment: This sequence change replaces aspartic acid, which is acidic and polar, with phenylalanine, which is neutral and non-polar, at codon 661 of the CTNNA1 protein (p.Asp661Phe). In summary, the available evidence is currently insufficient to determine the role of this variant in disease. Therefore, it has been classified as a Variant of Uncertain Significance. An algorithm developed to predict the effect of missense changes on protein structure and function (PolyPhen-2) suggests that this variant is likely to be tolerated. This variant has not been reported in the literature in individuals affected with CTNNA1-related conditions. The frequency data for this variant in the population databases is considered unreliable, as metrics indicate poor data quality at this position in the gnomAD database.